The following is an entry in ClinVar:

ClinVar aggregate classification (germline): Pathogenic (1 of 4 stars; one submission).

Submission:

CeGaT Center for Human Genetics Tuebingen
Classification: Pathogenic. Last evaluated: 2025-01-01. Review status: criteria provided, single submitter. Criteria: CeGaT Center For Human Genetics Tuebingen Variant Classification Criteria Version 2. Collection method: clinical testing. Allele origin: germline. Affected: yes. Observed: 1 variant allele.
Comment: TMEM127: PVS1, PM2

NM_017849.4(TMEM127):c.42del (p.Arg15fs)

Genes: TMEM127 (transmembrane protein 127; minus strand), LOC129934333 (ATAC-STARR-seq lymphoblastoid silent region 11759; plus strand). Cytogenetic location: 2q11.2.
Variant type: Deletion.
Coding change: c.42del on transcript NM_017849.4 (MANE Select); coding-DNA position 42, one base deleted (G; older notation c.42delG).
Protein change: p.Arg15fs; shifts the reading frame from arginine 15.
Molecular consequence: frameshift variant. On other transcripts: intron variant (1).
Genome position (GRCh38, 1-based): chr2:96,265,340, C deleted on the plus strand (G on the coding strand, the reverse complement: TMEM127 is on the minus strand); the first of 2 consecutive C bases (chr2:96,265,340-96,265,341); deleting either gives the same sequence. VCF-style (leftmost placement, unchanged base first): chr2-96265339-GC-G. GRCh37 (hg19) VCF-style: chr2-96931077-GC-G.
Other names: c.42del, p.Arg15fs (NM_001193304.3); c.-9+529del (NM_001407283.1); short protein forms R15fs.
Identifiers: ClinVar variation 3772205 (VCV003772205.13).